The following is an entry in ClinVar:

ClinVar aggregate classification (germline): Uncertain significance (1 of 4 stars; one submission).

Conditions:
Glutamate formiminotransferase deficiency. Also called: Formiminoglutamic aciduria; Arakawa syndrome 1. Identifiers: Orphanet 51208, MedGen C0268609, MONDO:0009240, OMIM 229100.

Allele frequency attached by ClinVar (database versions not stated): gnomAD 0.00001; gnomAD exomes 0.00001; ExAC 0.00002; TOPMed 0.00002.
gnomAD v4.1: 5 of 1,613,462 alleles (0.00031%); highest among the groups gnomAD compares: Non-Finnish European, 0.00042%; no homozygotes.

Submission:

Labcorp Genetics (formerly Invitae), Labcorp
Classification: Uncertain significance for Glutamate formiminotransferase deficiency. Last evaluated: 2025-07-21. Review status: criteria provided, single submitter. Criteria: Invitae Variant Classification Sherloc (09022015). Collection method: clinical testing. Allele origin: germline.
Comment: This sequence change replaces isoleucine, which is neutral and non-polar, with threonine, which is neutral and polar, at codon 505 of the FTCD protein (p.Ile505Thr). This variant is present in population databases (rs747334070, gnomAD 0.002%). This variant has not been reported in the literature in individuals affected with FTCD-related conditions. ClinVar contains an entry for this variant (Variation ID: 1958514). Invitae Evidence Modeling of protein sequence and biophysical properties (such as structural, functional, and spatial information, amino acid conservation, physicochemical variation, residue mobility, and thermodynamic stability) indicates that this missense variant is not expected to disrupt FTCD protein function with a negative predictive value of 80%. In summary, the available evidence is currently insufficient to determine the role of this variant in disease. Therefore, it has been classified as a Variant of Uncertain Significance.

NM_206965.2(FTCD):c.1514T>C (p.Ile505Thr)

Gene: FTCD (formimidoyltransferase cyclodeaminase; minus strand). Cytogenetic location: 21q22.3.
Variant type: single nucleotide variant.
Coding change: c.1514T>C on transcript NM_206965.2 (MANE Select); coding-DNA position 1514, T replaced by C.
Protein change: p.Ile505Thr; replaces isoleucine 505 with threonine.
Molecular consequence: missense variant.
Genome position (GRCh38, 1-based): chr21:46,137,264, A>G on the plus strand (T>C on the coding strand, the complement: FTCD is on the minus strand). VCF-style: chr21-46137264-A-G. GRCh37 (hg19) VCF-style: chr21-47557178-A-G.
Other names: c.1514T>C, p.Ile505Thr (NM_001320412.2, NM_006657.3); short protein forms I505T.
Identifiers: ClinVar variation 1958514 (VCV001958514.5), dbSNP rs747334070, ClinGen allele CA10073375.